The following is an entry in ClinVar:

NM_080473.5(GATA5):c.547C>T (p.Pro183Ser)

Gene: GATA5 (GATA binding protein 5; minus strand). Cytogenetic location: 20q13.33.
Variant type: single nucleotide variant.
Coding change: c.547C>T on transcript NM_080473.5 (MANE Select); coding-DNA position 547, C replaced by T.
Protein change: p.Pro183Ser; replaces proline 183 with serine.
Molecular consequence: missense variant.
Genome position (GRCh38, 1-based): chr20:62,473,555, G>A on the plus strand (C>T on the coding strand, the complement: GATA5 is on the minus strand). VCF-style: chr20-62473555-G-A. GRCh37 (hg19) VCF-style: chr20-61048611-G-A.
Other names: short protein forms P183S.
Identifiers: ClinVar variation 1320459 (VCV001320459.9), dbSNP rs1398410086, ClinGen allele CA409555446.
Genomic context (GRCh38, chr20:62,473,555, plus strand): 5'-CTCGGCGCCACAGCGGTGTGGACAGGGCCCCGCAGTTGACACACTCACGACCCTCACCCG[G>A]GAACTCCTCCAAGAAGTCGGACACTGAGGGGACAGGCAGCTGGTGGGCCCGGGCCCTCCC-3'
Protein context (NP_536721.1, residues 173-193): TFVSDFLEEF[Pro183Ser]GEGRECVNCG

ClinVar aggregate classification (germline): Uncertain significance. Review status: criteria provided, multiple submitters, no conflicts (2 of 4 stars). 4 submissions from 4 submitters: Uncertain significance (4). Last evaluated 2025-02-26.

Conditions:
GATA5-related disorder. Also called: GATA5-related condition.

Allele frequency attached by ClinVar (database versions not stated): gnomAD exomes below 0.00001; gnomAD 0.00001; TOPMed 0.00001.
gnomAD v4.1: 3 of 1,601,070 alleles (0.00019%); highest among the groups gnomAD compares: Non-Finnish European, 0.00026%; no homozygotes.

Submissions (4):

Ambry Genetics
Classification: Uncertain significance. Last evaluated: 2025-02-26. Review status: criteria provided, single submitter. Criteria: Ambry Variant Classification Scheme 2023. Collection method: clinical testing. Allele origin: germline.

PreventionGenetics, part of Exact Sciences
Classification: Uncertain significance for GATA5-related condition. Last evaluated: 2024-12-17. Review status: criteria provided, single submitter. Criteria: ACMG Guidelines, 2015. Collection method: clinical testing. Allele origin: germline.
Comment: The GATA5 c.547C>T variant is predicted to result in the amino acid substitution p.Pro183Ser. To our knowledge, this variant has not been reported in the literature or in a large population database (gnomAD), indicating this variant is rare. At this time, the clinical significance of this variant is uncertain due to the absence of conclusive functional and genetic evidence.

Labcorp Genetics (formerly Invitae), Labcorp
Classification: Uncertain significance. Last evaluated: 2021-11-26. Review status: criteria provided, single submitter. Criteria: Invitae Variant Classification Sherloc (09022015). Collection method: clinical testing. Allele origin: germline.
Comment: ClinVar contains an entry for this variant (Variation ID: 1320459). Algorithms developed to predict the effect of missense changes on protein structure and function are either unavailable or do not agree on the potential impact of this missense change (SIFT: "Tolerated"; PolyPhen-2: "Probably Damaging"; Align-GVGD: "Class C0"). This variant has not been reported in the literature in individuals affected with GATA5-related conditions. This variant is not present in population databases (gnomAD no frequency). This sequence change replaces proline, which is neutral and non-polar, with serine, which is neutral and polar, at codon 183 of the GATA5 protein (p.Pro183Ser). In summary, the available evidence is currently insufficient to determine the role of this variant in disease. Therefore, it has been classified as a Variant of Uncertain Significance.

GeneDx
Classification: Uncertain significance. Last evaluated: 2019-06-19. Review status: criteria provided, single submitter. Criteria: GeneDx Variant Classification Process June 2021. Collection method: clinical testing. Allele origin: germline. Affected: yes.
Comment: Not observed in large population cohorts (Lek et al., 2016); In silico analysis, which includes protein predictors and evolutionary conservation, supports a deleterious effect; Has not been previously published as pathogenic or benign to our knowledge